The following is an entry in ClinVar:

NM_000531.6(OTC):c.149G>C (p.Gly50Ala)

Gene: OTC (ornithine transcarbamylase; plus strand). Cytogenetic location: Xp11.4.
Variant type: single nucleotide variant.
Coding change: c.149G>C on transcript NM_000531.6 (MANE Select); coding-DNA position 149, G replaced by C.
Protein change: p.Gly50Ala; replaces glycine 50 with alanine.
Molecular consequence: missense variant.
Genome position (GRCh38, 1-based): chrX:38,367,362, G>C. VCF-style: chrX-38367362-G-C. GRCh37 (hg19) VCF-style: chrX-38226615-G-C.
Other names: short protein forms G50A.
Identifiers: ClinVar variation 1109234 (VCV001109234.9), dbSNP rs201802621, ClinGen allele CA10385794.

ClinVar aggregate classification (germline): Conflicting classifications of pathogenicity. Review status: criteria provided, conflicting classifications (1 of 4 stars). 2 submissions from 2 submitters: Uncertain significance (1); Likely benign (1). Last evaluated 2026-01-20.

Conditions:
Ornithine carbamoyltransferase deficiency (OTCD). Also called: OTC DEFICIENCY; Ornithine Carbamoyltransferase Deficiency Disease; ORNITHINE TRANSCARBAMYLASE DEFICIENCY, HYPERAMMONEMIA DUE TO; ORNITHINE TRANSCARBAMYLASE DEFICIENCY. Identifiers: Orphanet 664, MedGen C0268542, MONDO:0010703, OMIM 311250.

Allele frequency attached by ClinVar (database versions not stated): TOPMed 0.00001.
gnomAD v4.1: 14 of 1,200,157 alleles (0.0012%); highest among the groups gnomAD compares: Non-Finnish European, 0.0015%; no homozygotes.

Submissions (2):

Labcorp Genetics (formerly Invitae), Labcorp
Classification: Likely benign for Ornithine carbamoyltransferase deficiency. Last evaluated: 2026-01-20. Review status: criteria provided, single submitter. Criteria: Invitae Variant Classification Sherloc (09022015). Collection method: clinical testing. Allele origin: germline.

Color Diagnostics, LLC DBA Color Health
Classification: Uncertain significance for Ornithine carbamoyltransferase deficiency. Last evaluated: 2024-07-17. Review status: criteria provided, single submitter. Criteria: ACMG Guidelines, 2015. Collection method: clinical testing. Allele origin: germline.
Comment: This missense variant replaces glycine with alanine at codon 50 of the OTC protein. Computational prediction suggests that this variant may not impact protein structure and function. A functional study has shown that this variant did not impair growth in a yeast complementation assay (PMID: 37146589). This variant has not been reported in individuals affected with OTC-related disorders in the literature. This variant has been identified in 5/204673 chromosomes in the general population by the Genome Aggregation Database (gnomAD). The available evidence is insufficient to determine the role of this variant in disease conclusively. Therefore, this variant is classified as a Variant of Uncertain Significance.

Literature cited by the submitters: PubMed 37146589 (cited by Color Diagnostics, LLC DBA Color Health).